The following is an entry in ClinVar:

ClinVar aggregate classification (germline): Uncertain significance. Review status: criteria provided, multiple submitters, no conflicts (2 of 4 stars). 3 submissions from 3 submitters: Uncertain significance (3). Last evaluated 2024-10-07.

Allele frequency attached by ClinVar (database versions not stated): ExAC 0.00003; gnomAD 0.00004 and 0.00005; TOPMed 0.00006; ESP Exome Variant Server 0.00015; 1000 Genomes Project 30x 0.00016; 1000 Genomes Project 0.00020.
gnomAD v4.1: 73 of 1,611,830 alleles (0.0045%); highest among the groups gnomAD compares: South Asian, 0.0088%; no homozygotes.

Submissions (3):

Blueprint Genetics
Classification: Uncertain significance. Last evaluated: 2024-10-07. Review status: criteria provided, single submitter. Criteria: ACMG Guidelines, 2015. Collection method: clinical testing. Allele origin: germline.

Ambry Genetics
Classification: Uncertain significance. Last evaluated: 2024-03-28. Review status: criteria provided, single submitter. Criteria: Ambry Variant Classification Scheme 2023. Collection method: clinical testing. Allele origin: germline.

Labcorp Genetics (formerly Invitae), Labcorp
Classification: Uncertain significance. Last evaluated: 2024-01-24. Review status: criteria provided, single submitter. Criteria: Invitae Variant Classification Sherloc (09022015). Collection method: clinical testing. Allele origin: germline.
Comment: This sequence change replaces arginine, which is basic and polar, with glutamine, which is neutral and polar, at codon 2367 of the CEP250 protein (p.Arg2367Gln). This variant is present in population databases (rs138549858, gnomAD 0.01%). This variant has not been reported in the literature in individuals affected with CEP250-related conditions. ClinVar contains an entry for this variant (Variation ID: 933986). An algorithm developed to predict the effect of missense changes on protein structure and function (PolyPhen-2) suggests that this variant is likely to be disruptive. In summary, the available evidence is currently insufficient to determine the role of this variant in disease. Therefore, it has been classified as a Variant of Uncertain Significance.

NM_007186.6(CEP250):c.7100G>A (p.Arg2367Gln)

Gene: CEP250 (centrosomal protein 250; plus strand). Cytogenetic location: 20q11.22.
Variant type: single nucleotide variant.
Coding change: c.7100G>A on transcript NM_007186.6 (MANE Select); coding-DNA position 7100, G replaced by A.
Protein change: p.Arg2367Gln; replaces arginine 2367 with glutamine.
Molecular consequence: missense variant.
Genome position (GRCh38, 1-based): chr20:35,511,397, G>A. VCF-style: chr20-35511397-G-A. GRCh37 (hg19) VCF-style: chr20-34099226-G-A.
Other names: c.5204G>A, p.Arg1735Gln (NM_001318219.1); c.7100G>A (NM_007186.3); short protein forms R2367Q, R1735Q.
Identifiers: ClinVar variation 933986 (VCV000933986.10), dbSNP rs138549858, ClinGen allele CA9834251.
Genomic context (GRCh38, chr20:35,511,397, plus strand): 5'-TTTTTTTTTTTTTTCCTGCCCACCAGGTGGTCCTGCTGCAAGCTCAGCTGACTTTGGAGC[G>A]GAAGCAGAAGCAGGACTACATCACCCGCTCAGCACAGACCAGCCGTGAGCTAGCAGGCCT-3'
Protein context (NP_009117.2, residues 2357-2377): VLLQAQLTLE[Arg2367Gln]KQKQDYITRS